The following is an entry in ClinVar:

NM_001197104.2(KMT2A):c.8719A>G (p.Thr2907Ala)

Gene: KMT2A (lysine methyltransferase 2A; plus strand). Cytogenetic location: 11q23.3.
Variant type: single nucleotide variant.
Coding change: c.8719A>G on transcript NM_001197104.2 (MANE Select); coding-DNA position 8719, A replaced by G.
Protein change: p.Thr2907Ala; replaces threonine 2907 with alanine.
Molecular consequence: missense variant.
Genome position (GRCh38, 1-based): chr11:118,504,611, A>G. VCF-style: chr11-118504611-A-G. GRCh37 (hg19) VCF-style: chr11-118375326-A-G.
Other names: c.8809A>G, p.Thr2937Ala (NM_001412597.1); c.8710A>G, p.Thr2904Ala (NM_005933.4); short protein forms T2904A, T2907A, T2937A.
Identifiers: ClinVar variation 2809913 (VCV002809913.3), dbSNP rs2497011892, ClinGen allele CA382815726.

ClinVar aggregate classification (germline): Uncertain significance (1 of 4 stars; one submission).

Submission:

Labcorp Genetics (formerly Invitae), Labcorp
Classification: Uncertain significance. Last evaluated: 2022-10-27. Review status: criteria provided, single submitter. Criteria: Invitae Variant Classification Sherloc (09022015). Collection method: clinical testing. Allele origin: germline.
Comment: In summary, the available evidence is currently insufficient to determine the role of this variant in disease. Therefore, it has been classified as a Variant of Uncertain Significance. Advanced modeling of protein sequence and biophysical properties (such as structural, functional, and spatial information, amino acid conservation, physicochemical variation, residue mobility, and thermodynamic stability) performed at Invitae indicates that this missense variant is not expected to disrupt KMT2A protein function. This variant has not been reported in the literature in individuals affected with KMT2A-related conditions. This variant is not present in population databases (gnomAD no frequency). This sequence change replaces threonine, which is neutral and polar, with alanine, which is neutral and non-polar, at codon 2907 of the KMT2A protein (p.Thr2907Ala).